The following is an entry in ClinVar:

ClinVar aggregate classification (germline): Benign. Review status: criteria provided, multiple submitters, no conflicts (2 of 4 stars). 5 submissions from 5 submitters: Benign (5). Last evaluated 2026-02-03.

Conditions:
Renal hypomagnesemia 4. Also called: HYPOMAGNESEMIA, RENAL, NORMOCALCIURIC. Identifiers: Orphanet 34527, MedGen C2673648, MONDO:0012717, OMIM 611718.

Allele frequency attached by ClinVar (database versions not stated): gnomAD exomes 0.09823; ExAC 0.09846; gnomAD 0.12368 and 0.12520; ESP Exome Variant Server 0.12379; TOPMed 0.13242; 1000 Genomes Project 0.16534; 1000 Genomes Project 30x 0.16552.
gnomAD v4.1: 126,972 of 1,613,692 alleles (7.9%); highest among the groups gnomAD compares: African/African-American, 24%; 6,673 homozygotes.

Submissions (5):

Labcorp Genetics (formerly Invitae), Labcorp
Classification: Benign. Last evaluated: 2026-02-03. Review status: criteria provided, single submitter. Criteria: Invitae Variant Classification Sherloc (09022015). Collection method: clinical testing. Allele origin: germline.

Mayo Clinic Laboratories, Mayo Clinic
Classification: Benign. Last evaluated: 2022-03-09. Review status: criteria provided, single submitter. Criteria: ACMG Guidelines, 2015. Collection method: clinical testing. Allele origin: germline. Observed: 21 variant alleles.

GeneDx
Classification: Benign. Last evaluated: 2020-01-26. Review status: criteria provided, single submitter. Criteria: GeneDx Variant Classification Process June 2021. Collection method: clinical testing. Allele origin: germline. Affected: yes.

Illumina Laboratory Services, Illumina
Classification: Benign for Renal hypomagnesemia 4. Last evaluated: 2018-01-12. Review status: criteria provided, single submitter. Criteria: ICSL Variant Classification Criteria 13 December 2019. Collection method: clinical testing. Allele origin: germline.
Comment: This variant was observed in the ICSL laboratory as part of a predisposition screen in an ostensibly healthy population. It had not been previously curated by ICSL or reported in the Human Gene Mutation Database (HGMD: prior to June 1st, 2018), and was therefore a candidate for classification through an automated scoring system. Utilizing variant allele frequency, disease prevalence and penetrance estimates, and inheritance mode, an automated score was calculated to assess if this variant is too frequent to cause the disease. Based on the score and internal cut-off values, a variant classified as benign is not then subjected to further curation. The score for this variant resulted in a classification of benign for this disease.

Breakthrough Genomics
Classification: Benign. Review status: criteria provided, single submitter. Criteria: ACMG Guidelines, 2015. Collection method: not provided. Allele origin: germline. Inheritance: Autosomal recessive inheritance. Affected: yes.

NM_001963.6(EGF):c.1292G>A (p.Arg431Lys)

Gene: EGF (epidermal growth factor; plus strand). Cytogenetic location: 4q25.
Variant type: single nucleotide variant.
Coding change: c.1292G>A on transcript NM_001963.6 (MANE Select); coding-DNA position 1292, G replaced by A.
Protein change: p.Arg431Lys; replaces arginine 431 with lysine.
Molecular consequence: missense variant.
Genome position (GRCh38, 1-based): chr4:109,961,965, G>A. VCF-style: chr4-109961965-G-A. GRCh37 (hg19) VCF-style: chr4-110883121-G-A.
Other names: c.1292G>A, p.Arg431Lys (NM_001178130.3); c.1166G>A, p.Arg389Lys (NM_001178131.3, NM_001357021.2); short protein forms R431K, R389K.
Identifiers: ClinVar variation 347234 (VCV000347234.15), dbSNP rs11568943, ClinGen allele CA3043626.